The following is an entry in ClinVar:

NM_001375524.1(TRRAP):c.9280T>G (p.Cys3094Gly)

Gene: TRRAP (transformation/transcription domain associated protein; plus strand). Cytogenetic location: 7q22.1.
Variant type: single nucleotide variant.
Coding change: c.9280T>G on transcript NM_001375524.1 (MANE Select); coding-DNA position 9280, T replaced by G.
Protein change: p.Cys3094Gly; replaces cysteine 3094 with glycine.
Molecular consequence: missense variant.
Genome position (GRCh38, 1-based): chr7:98,984,350, T>G. VCF-style: chr7-98984350-T-G. GRCh37 (hg19) VCF-style: chr7-98581973-T-G.
Other names: c.9292T>G, p.Cys3098Gly (NM_001244580.2); c.9205T>G, p.Cys3069Gly (NM_003496.4); short protein forms C3098G, C3069G, C3094G.
Identifiers: ClinVar variation 2373388 (VCV002373388.3), dbSNP rs2484977734, ClinGen allele CA368317729.

ClinVar aggregate classification (germline): Uncertain significance (1 of 4 stars; one submission).

Conditions:
Inborn genetic diseases. Identifiers: MedGen C0950123, MeSH D030342.

Submission:

Ambry Genetics
Classification: Uncertain significance for Inborn genetic diseases. Last evaluated: 2023-05-16. Review status: criteria provided, single submitter. Criteria: Ambry Variant Classification Scheme 2023. Collection method: clinical testing. Allele origin: germline.
Comment: The c.9292T>G (p.C3098G) alteration is located in exon 60 (coding exon 59) of the TRRAP gene. This alteration results from a T to G substitution at nucleotide position 9292, causing the cysteine (C) at amino acid position 3098 to be replaced by a glycine (G). This variant was not reported in population-based cohorts in the Genome Aggregation Database (gnomAD). This amino acid position is highly conserved in available vertebrate species. The in silico prediction for this alteration is inconclusive. Based on insufficient or conflicting evidence, the clinical significance of this alteration remains unclear.